The following is an entry in ClinVar:

ClinVar aggregate classification (germline): Conflicting classifications of pathogenicity. Review status: criteria provided, conflicting classifications (1 of 4 stars). 2 submissions from 2 submitters: Uncertain significance (1); Likely benign (1). Last evaluated 2024-09-18.

Conditions:
Duchenne muscular dystrophy (DMD). Also called: Duchenne Muscular Dystrophy (DMD); MUSCULAR DYSTROPHY, PSEUDOHYPERTROPHIC PROGRESSIVE, DUCHENNE TYPE. Identifiers: Orphanet 98896, MedGen C0013264, MONDO:0010679, OMIM 310200.
Cardiovascular phenotype. Identifiers: MedGen CN230736.

gnomAD v4.1: 1 of 1,207,495 alleles (0.000083%); highest among the groups gnomAD compares: African/African-American, 0.0018%; no homozygotes.

Submissions (2):

Ambry Genetics
Classification: Uncertain significance for Cardiovascular phenotype. Last evaluated: 2024-09-18. Review status: criteria provided, single submitter. Criteria: Ambry Variant Classification Scheme 2023. Collection method: clinical testing. Allele origin: germline.
Comment: The c.924C>T variant (also known as p.T308T), located in coding exon 9 of the DMD gene, results from a C to T substitution at nucleotide position 924. This nucleotide substitution does not change the amino acid at codon 308. This nucleotide position is not well conserved in available vertebrate species. In silico splice site analysis for this alteration is inconclusive. Based on the available evidence, the clinical significance of this variant remains unclear.

Labcorp Genetics (formerly Invitae), Labcorp
Classification: Likely benign for Duchenne muscular dystrophy. Last evaluated: 2024-08-30. Review status: criteria provided, single submitter. Criteria: Invitae Variant Classification Sherloc (09022015). Collection method: clinical testing. Allele origin: germline.

NM_004006.3(DMD):c.924C>T (p.Thr308=)

Gene: DMD (dystrophin; minus strand). Cytogenetic location: Xp21.1.
Variant type: single nucleotide variant.
Coding change: c.924C>T on transcript NM_004006.3 (MANE Select); coding-DNA position 924, C replaced by T.
Protein change: p.Thr308=; no amino-acid change (threonine 308 retained).
Molecular consequence: synonymous variant.
Genome position (GRCh38, 1-based): chrX:32,697,906, G>A on the plus strand (C>T on the coding strand, the complement: DMD is on the minus strand). VCF-style: chrX-32697906-G-A. GRCh37 (hg19) VCF-style: chrX-32716023-G-A.
Other names: c.900C>T, p.Thr300= (NM_000109.4); c.912C>T, p.Thr304= (NM_004009.3); c.555C>T, p.Thr185= (NM_004010.3).
Identifiers: ClinVar variation 3502582 (VCV003502582.3).